The following is an entry in ClinVar:

ClinVar aggregate classification (germline): Uncertain significance. Review status: criteria provided, multiple submitters, no conflicts (2 of 4 stars). 3 submissions from 3 submitters: Uncertain significance (3). Last evaluated 2023-10-01.

Conditions:
Hereditary spastic paraplegia 48. Also called: Spastic paraplegia 48; SPASTIC PARAPLEGIA 48, AUTOSOMAL RECESSIVE. Identifiers: Orphanet 306511, MedGen C3150901, MONDO:0013342, OMIM 613647.
Inborn genetic diseases. Identifiers: MedGen C0950123, MeSH D030342.

Allele frequency attached by ClinVar (database versions not stated): gnomAD exomes 0.00002; TOPMed 0.00010; gnomAD 0.00011; ExAC 0.00012; ESP Exome Variant Server 0.00016.
gnomAD v4.1: 56 of 1,608,844 alleles (0.0035%); highest among the groups gnomAD compares: African/African-American, 0.037%; no homozygotes.

Submissions (3):

CeGaT Center for Human Genetics Tuebingen
Classification: Uncertain significance. Last evaluated: 2023-10-01. Review status: criteria provided, single submitter. Criteria: CeGaT Center For Human Genetics Tuebingen Variant Classification Criteria Version 2. Collection method: clinical testing. Allele origin: germline. Affected: yes. Observed: 1 variant allele.
Comment: AP5Z1: PM2, BP4

Ambry Genetics
Classification: Uncertain significance for Inborn genetic diseases. Last evaluated: 2023-08-04. Review status: criteria provided, single submitter. Criteria: Ambry Variant Classification Scheme 2023. Collection method: clinical testing. Allele origin: germline.

Labcorp Genetics (formerly Invitae), Labcorp
Classification: Uncertain significance for Hereditary spastic paraplegia 48. Last evaluated: 2022-05-16. Review status: criteria provided, single submitter. Criteria: Invitae Variant Classification Sherloc (09022015). Collection method: clinical testing. Allele origin: germline.
Comment: This sequence change replaces valine, which is neutral and non-polar, with isoleucine, which is neutral and non-polar, at codon 66 of the AP5Z1 protein (p.Val66Ile). This variant is present in population databases (rs369340724, gnomAD 0.04%). This variant has not been reported in the literature in individuals affected with AP5Z1-related conditions. Algorithms developed to predict the effect of missense changes on protein structure and function output the following: SIFT: "Tolerated"; PolyPhen-2: "Benign"; Align-GVGD: "Class C0". The isoleucine amino acid residue is found in multiple mammalian species, which suggests that this missense change does not adversely affect protein function. In summary, the available evidence is currently insufficient to determine the role of this variant in disease. Therefore, it has been classified as a Variant of Uncertain Significance.

NM_014855.3(AP5Z1):c.196G>A (p.Val66Ile)

Gene: AP5Z1 (adaptor related protein complex 5 subunit zeta 1; plus strand). Cytogenetic location: 7p22.1.
Variant type: single nucleotide variant.
Coding change: c.196G>A on transcript NM_014855.3 (MANE Select); coding-DNA position 196, G replaced by A.
Protein change: p.Val66Ile; replaces valine 66 with isoleucine.
Molecular consequence: missense variant. On other transcripts: non-coding transcript variant (1), intron variant (1).
Genome position (GRCh38, 1-based): chr7:4,781,584, G>A. VCF-style: chr7-4781584-G-A. GRCh37 (hg19) VCF-style: chr7-4821215-G-A.
Other names: c.196G>A (NM_014855.2); c.-103+272G>A (NM_001364858.1); short protein forms V66I.
Identifiers: ClinVar variation 2097827 (VCV002097827.27), dbSNP rs369340724, ClinGen allele CA4137109.